The following is an entry in ClinVar:

ClinVar aggregate classification (germline): Uncertain significance. Review status: criteria provided, multiple submitters, no conflicts (2 of 4 stars). 2 submissions from 2 submitters: Uncertain significance (2). Last evaluated 2025-06-29.

Conditions:
Aicardi-Goutieres syndrome 7 (AGS7). Identifiers: Orphanet 51, MedGen C3888244, MONDO:0014367, OMIM 615846.
Singleton-Merten syndrome 1 (SGMRT1). Also called: Widened medullary cavities of bone, aortic calcification, abnormal dentition, and muscular weakness; Syndrome of widened medullary cavities of the metacarpals and phalanges, aortic calcification and abnormal dentition. Identifiers: Orphanet 85191, MedGen C4225427, MONDO:0024535, OMIM 182250.

gnomAD v4.1: 1 of 1,609,362 alleles (0.000062%); no homozygotes.

Submissions (2):

Labcorp Genetics (formerly Invitae), Labcorp
Classification: Uncertain significance for Aicardi-Goutieres syndrome 7; Singleton-Merten syndrome 1. Last evaluated: 2025-06-29. Review status: criteria provided, single submitter. Criteria: Invitae Variant Classification Sherloc (09022015). Collection method: clinical testing. Allele origin: germline.
Comment: This sequence change replaces leucine, which is neutral and non-polar, with methionine, which is neutral and non-polar, at codon 262 of the IFIH1 protein (p.Leu262Met). This variant is not present in population databases (gnomAD no frequency). This variant has not been reported in the literature in individuals affected with IFIH1-related conditions. ClinVar contains an entry for this variant (Variation ID: 3900459). Invitae Evidence Modeling of protein sequence and biophysical properties (such as structural, functional, and spatial information, amino acid conservation, physicochemical variation, residue mobility, and thermodynamic stability) has been performed for this missense variant. However, the output from this modeling did not meet the statistical confidence thresholds required to predict the impact of this variant on IFIH1 protein function. In summary, the available evidence is currently insufficient to determine the role of this variant in disease. Therefore, it has been classified as a Variant of Uncertain Significance.

GeneDx
Classification: Uncertain significance. Last evaluated: 2024-11-22. Review status: criteria provided, single submitter. Criteria: GeneDx Variant Classification Process June 2021. Collection method: clinical testing. Allele origin: germline. Affected: yes.
Comment: Not observed at significant frequency in large population cohorts (gnomAD); In silico analysis indicates that this missense variant does not alter protein structure/function; Has not been previously published as pathogenic or benign to our knowledge

NM_022168.4(IFIH1):c.784T>A (p.Leu262Met)

Gene: IFIH1 (interferon induced with helicase C domain 1; minus strand). Cytogenetic location: 2q24.2.
Variant type: single nucleotide variant.
Coding change: c.784T>A on transcript NM_022168.4 (MANE Select); coding-DNA position 784, T replaced by A.
Protein change: p.Leu262Met; replaces leucine 262 with methionine.
Molecular consequence: missense variant.
Genome position (GRCh38, 1-based): chr2:162,293,654, A>T on the plus strand (T>A on the coding strand, the complement: IFIH1 is on the minus strand). VCF-style: chr2-162293654-A-T. GRCh37 (hg19) VCF-style: chr2-163150164-A-T.
Other names: short protein forms L262M.
Identifiers: ClinVar variation 3900459 (VCV003900459.2).